The following is an entry in ClinVar:

ClinVar aggregate classification (germline): Uncertain significance (1 of 4 stars; one submission).

Submission:

Labcorp Genetics (formerly Invitae), Labcorp
Classification: Uncertain significance. Last evaluated: 2023-12-07. Review status: criteria provided, single submitter. Criteria: Invitae Variant Classification Sherloc (09022015). Collection method: clinical testing. Allele origin: germline.
Comment: This sequence change replaces serine, which is neutral and polar, with arginine, which is basic and polar, at codon 855 of the GUCY2C protein (p.Ser855Arg). This variant is not present in population databases (gnomAD no frequency). This variant has not been reported in the literature in individuals affected with GUCY2C-related conditions. ClinVar contains an entry for this variant (Variation ID: 1370625). Advanced modeling of protein sequence and biophysical properties (such as structural, functional, and spatial information, amino acid conservation, physicochemical variation, residue mobility, and thermodynamic stability) performed at Invitae indicates that this missense variant is not expected to disrupt GUCY2C protein function with a negative predictive value of 80%. In summary, the available evidence is currently insufficient to determine the role of this variant in disease. Therefore, it has been classified as a Variant of Uncertain Significance.

NM_004963.4(GUCY2C):c.2563A>C (p.Ser855Arg)

Gene: GUCY2C (guanylate cyclase 2C; minus strand). Cytogenetic location: 12p12.3.
Variant type: single nucleotide variant.
Coding change: c.2563A>C on transcript NM_004963.4 (MANE Select); coding-DNA position 2563, A replaced by C.
Protein change: p.Ser855Arg; replaces serine 855 with arginine.
Molecular consequence: missense variant.
Genome position (GRCh38, 1-based): chr12:14,622,043, T>G on the plus strand (A>C on the coding strand, the complement: GUCY2C is on the minus strand). VCF-style: chr12-14622043-T-G. GRCh37 (hg19) VCF-style: chr12-14774977-T-G.
Other names: short protein forms S855R.
Identifiers: ClinVar variation 1370625 (VCV001370625.6), dbSNP rs2136982769, ClinGen allele CA383994980.
Genomic context (GRCh38, chr12:14,622,043, plus strand): 5'-GCCTGTTAGGTGATGTGGTTACCTTGTAGACATCATGATGATCAACAATGTGGTCAAAAC[T>G]CTTATAGATGTCATTAAGCATGTCCACCACTTCCATGGGGGTGCTGTATTTGCAGATAGT-3'
Protein context (NP_004954.2, residues 845-865): VVDMLNDIYK[Ser855Arg]FDHIVDHHDV